The following is an entry in ClinVar:

NM_001252024.2(TRPM1):c.2228G>A (p.Arg743Gln)

Gene: TRPM1 (transient receptor potential cation channel subfamily M member 1; minus strand). Cytogenetic location: 15q13.3.
Variant type: single nucleotide variant.
Coding change: c.2228G>A on transcript NM_001252024.2 (MANE Select); coding-DNA position 2228, G replaced by A.
Protein change: p.Arg743Gln; replaces arginine 743 with glutamine.
Molecular consequence: missense variant.
Genome position (GRCh38, 1-based): chr15:31,040,206, C>T on the plus strand (G>A on the coding strand, the complement: TRPM1 is on the minus strand). VCF-style: chr15-31040206-C-T. GRCh37 (hg19) VCF-style: chr15-31332409-C-T.
Other names: c.2279G>A, p.Arg760Gln (NM_001252020.2); c.2162G>A, p.Arg721Gln (NM_002420.6); c.2279G>A (NM_001252020.1); short protein forms R721Q, R743Q, R760Q.
Identifiers: ClinVar variation 194732 (VCV000194732.16), dbSNP rs781460164, ClinGen allele CA240871.
Genomic context (GRCh38, chr15:31,040,206, plus strand): 5'-AGTCTTCCCATCCACATATCGGTCAGCAGCATCTGGCTGCAGGTGTGAGCAATGAAGTCC[C>T]GGTGTTTGGCTGCCACGGCCAGTTTGAGGCAGGTCGAGTTGCTCCAGTTTTTCAGCTCGT-3'
Protein context (NP_001238953.1, residues 733-753): CLKLAVAAKH[Arg743Gln]DFIAHTCSQM

ClinVar aggregate classification (germline): Uncertain significance. Review status: criteria provided, multiple submitters, no conflicts (2 of 4 stars). 4 submissions from 4 submitters: Uncertain significance (4). Last evaluated 2025-07-24.

Conditions:
TRPM1-related disorder. Also called: TRPM1-related condition.

Allele frequency attached by ClinVar (database versions not stated): gnomAD exomes 0.00002 and 0.00003; TOPMed 0.00002; gnomAD 0.00003; ExAC 0.00002.
gnomAD v4.1: 51 of 1,614,058 alleles (0.0032%); highest among the groups gnomAD compares: Non-Finnish European, 0.0039%; no homozygotes.

Submissions (4):

PreventionGenetics, part of Exact Sciences
Classification: Uncertain significance for TRPM1-related condition. Last evaluated: 2025-07-24. Review status: criteria provided, single submitter. Criteria: ACMG Guidelines, 2015. Collection method: clinical testing. Allele origin: germline.
Comment: The TRPM1 c.2279G>A variant is predicted to result in the amino acid substitution p.Arg760Gln. This variant has been reported as heterozygous in an individual with congenital stationary night blindness (reported as c.2162G>A, p.R721Q in Li et al. 2009. PubMed ID: 19878917). This variant is reported in 0.0029% of alleles in individuals of Latino descent in gnomAD and is interpreted as uncertain in ClinVar (Variation ID: 194732). At this time, the clinical significance of this variant is uncertain due to the absence of conclusive functional and genetic evidence.

Labcorp Genetics (formerly Invitae), Labcorp
Classification: Uncertain significance. Last evaluated: 2023-10-13. Review status: criteria provided, single submitter. Criteria: Invitae Variant Classification Sherloc (09022015). Collection method: clinical testing. Allele origin: germline.
Comment: This sequence change replaces arginine, which is basic and polar, with glutamine, which is neutral and polar, at codon 721 of the TRPM1 protein (p.Arg721Gln). This variant is present in population databases (rs781460164, gnomAD 0.003%). This variant has not been reported in the literature in individuals affected with TRPM1-related conditions. ClinVar contains an entry for this variant (Variation ID: 194732). Advanced modeling of protein sequence and biophysical properties (such as structural, functional, and spatial information, amino acid conservation, physicochemical variation, residue mobility, and thermodynamic stability) performed at Invitae indicates that this missense variant is not expected to disrupt TRPM1 protein function. In summary, the available evidence is currently insufficient to determine the role of this variant in disease. Therefore, it has been classified as a Variant of Uncertain Significance.

Blueprint Genetics
Classification: Uncertain significance. Last evaluated: 2022-03-30. Review status: criteria provided, single submitter. Criteria: ACMG Guidelines, 2015. Collection method: clinical testing. Allele origin: germline.

Eurofins Ntd Llc (ga)
Classification: Uncertain significance. Last evaluated: 2014-06-25. Review status: criteria provided, single submitter. Criteria: EGL Classification Definitions 2015. Collection method: clinical testing. Allele origin: germline. Observed: 1 variant allele, 1 heterozygote.